The following is an entry in ClinVar:

NM_000059.4(BRCA2):c.9593G>A (p.Cys3198Tyr)

Gene: BRCA2 (BRCA2 DNA repair associated; plus strand). Cytogenetic location: 13q13.1.
Variant type: single nucleotide variant.
Coding change: c.9593G>A on transcript NM_000059.4 (MANE Select); coding-DNA position 9593, G replaced by A.
Protein change: p.Cys3198Tyr; replaces cysteine 3198 with tyrosine.
Molecular consequence: missense variant.
Genome position (GRCh38, 1-based): chr13:32,396,989, G>A. VCF-style: chr13-32396989-G-A. GRCh37 (hg19) VCF-style: chr13-32971126-G-A.
Other names: short protein forms C3198Y.
Identifiers: ClinVar variation 142398 (VCV000142398.15), dbSNP rs587782435, ClinGen allele CA026226.

ClinVar aggregate classification (germline): Conflicting classifications of pathogenicity. Review status: criteria provided, conflicting classifications (1 of 4 stars). 3 submissions from 3 submitters: Uncertain significance (1); Likely benign (1). 1 of the submissions does not count toward it. Last evaluated 2026-01-13.

Conditions:
Hereditary cancer-predisposing syndrome. Also called: Neoplastic Syndromes, Hereditary; Hereditary Cancer Syndrome; Hereditary neoplastic syndrome; Tumor predisposition. Identifiers: Orphanet 140162, MedGen C0027672, MeSH D009386, MONDO:0015356.
Hereditary breast ovarian cancer syndrome. Also called: Hereditary breast and ovarian cancer syndrome; Hereditary breast and/or ovarian cancer syndrome; BRCA1- and BRCA2-Associated Hereditary Breast and Ovarian Cancer; Hereditary breast and ovarian cancer; Breast and ovarian cancer; Hereditary breast and ovarian cancer syndrome (HBOC). Identifiers: Orphanet 145, MedGen C0677776, MeSH D061325, MONDO:0003582. Disease mechanism: loss of function.
Breast-ovarian cancer, familial, susceptibility to, 2 (BROVCA2). Also called: BRCA2 Hereditary Breast and Ovarian Cancer. Identifiers: Orphanet 145, MedGen C2675520, MONDO:0012933, OMIM 612555. Disease mechanism: loss of function.

Allele frequency attached by ClinVar (database versions not stated): gnomAD exomes 0.00001; ExAC 0.00002.
gnomAD v4.1: 2 of 1,614,054 alleles (0.00012%); highest among the groups gnomAD compares: Non-Finnish European, 0.00017%; no homozygotes.

Submissions (3):

Labcorp Genetics (formerly Invitae), Labcorp
Classification: Uncertain significance for Hereditary breast ovarian cancer syndrome. Last evaluated: 2026-01-13. Review status: criteria provided, single submitter. Criteria: Invitae Variant Classification Sherloc (09022015). Collection method: clinical testing. Allele origin: germline.
Comment: This sequence change replaces cysteine, which is neutral and slightly polar, with tyrosine, which is neutral and polar, at codon 3198 of the BRCA2 protein (p.Cys3198Tyr). This variant is present in population databases (rs587782435, gnomAD 0.002%). This variant has not been reported in the literature in individuals affected with BRCA2-related conditions. ClinVar contains an entry for this variant (Variation ID: 142398). Invitae Evidence Modeling of protein sequence and biophysical properties (such as structural, functional, and spatial information, amino acid conservation, physicochemical variation, residue mobility, and thermodynamic stability) indicates that this missense variant is not expected to disrupt BRCA2 protein function with a negative predictive value of 95%. In summary, the available evidence is currently insufficient to determine the role of this variant in disease. Therefore, it has been classified as a Variant of Uncertain Significance.

Ambry Genetics
Classification: Likely benign for Hereditary cancer-predisposing syndrome. Last evaluated: 2017-03-10. Review status: criteria provided, single submitter. Criteria: Ambry Variant Classification Scheme 2023. Collection method: clinical testing. Allele origin: germline.

Counsyl
Classification: Uncertain significance for Breast-ovarian cancer, familial, susceptibility to, 2. Last evaluated: 2016-06-24. Review status: no assertion criteria provided. Collection method: clinical testing. Allele origin: unknown. Not counted in ClinVar's aggregate classification.